The following is an entry in ClinVar:

ClinVar aggregate classification (germline): Likely pathogenic (1 of 4 stars; one submission).

Conditions:
Dilated cardiomyopathy 1G (CMD1G). Identifiers: Orphanet 154, MedGen C1858763, MONDO:0011400, OMIM 604145.
Autosomal recessive limb-girdle muscular dystrophy type 2J (LGMDR10). Also called: Limb-girdle muscular dystrophy, type 2J; MUSCULAR DYSTROPHY, LIMB-GIRDLE, AUTOSOMAL RECESSIVE 10. Identifiers: Orphanet 140922, MedGen C1837342, MONDO:0012127, OMIM 608807.

Submission:

Labcorp Genetics (formerly Invitae), Labcorp
Classification: Likely pathogenic for Dilated cardiomyopathy 1G; Autosomal recessive limb-girdle muscular dystrophy type 2J. Last evaluated: 2025-12-16. Review status: criteria provided, single submitter. Criteria: Invitae Variant Classification Sherloc (09022015). Collection method: clinical testing. Allele origin: germline.
Comment: This sequence change creates a premature translational stop signal (p.Asp15272Metfs*10) in the TTN gene. While this is not anticipated to result in nonsense mediated decay, it is expected to create a truncated TTN protein. This variant is not present in population databases (gnomAD no frequency). This variant has not been reported in the literature in individuals affected with TTN-related conditions. ClinVar contains an entry for this variant (Variation ID: 649938). This variant is located in the I band of TTN (PMID: 25589632). Truncating variants in this region have been reported in individuals affected with autosomal recessive centronuclear myopathy (PMID: 23975875, internal data). Truncating variants in this region have also been identified in individuals affected with autosomal dominant dilated cardiomyopathy and/or cardio-related conditions (PMID: 27869827, 32964742, internal data). In summary, the currently available evidence indicates that the variant is pathogenic, but additional data are needed to prove that conclusively. Therefore, this variant has been classified as Likely Pathogenic.

Literature cited by the submitters: PubMed 25589632; PubMed 23975875; PubMed 27869827; PubMed 32964742.

NM_001267550.2(TTN):c.45814del (p.Asp15272fs)

Gene: TTN (titin; minus strand). Cytogenetic location: 2q31.2.
Variant type: Deletion.
Coding change: c.45814del on transcript NM_001267550.2 (MANE Select); coding-DNA position 45814, one base deleted (G; older notation c.45814delG).
Protein change: p.Asp15272fs; shifts the reading frame from aspartic acid 15272.
Molecular consequence: frameshift variant.
Genome position (GRCh38, 1-based): chr2:178,620,796, C deleted on the plus strand (G on the coding strand, the reverse complement: TTN is on the minus strand). VCF-style (leftmost placement, unchanged base first): chr2-178620795-TC-T. GRCh37 (hg19) VCF-style: chr2-179485522-TC-T.
Other names: c.45814delG (NM_001267550.2); c.40891del, p.Asp13631fs (NM_001256850.1); c.18619del, p.Asp6207fs (NM_003319.4); c.38110del, p.Asp12704fs (NM_133378.4); c.18994del, p.Asp6332fs (NM_133432.3); c.19195del, p.Asp6399fs (NM_133437.4); short protein forms D13631fs, D6332fs, D15272fs, D6207fs, D6399fs, D12704fs.
Identifiers: ClinVar variation 649938 (VCV000649938.11), dbSNP rs1576550450, ClinGen allele CA915942161.
Genomic context (GRCh38, chr2:178,620,795, plus strand): 5'-GCACTTTTAACATTTTCACCTCTGTGATTGGTCAAAGACACATTATAGTTGGCTTGGTCA[TC>T]TAAGTGTGCATCTCTAATTCTGAGGGTGTAGACTAGGTCTTTTTGGAGAATGATGTATTT-3'